The following is an entry in ClinVar:

NM_001868.4(CPA1):c.326C>A (p.Ser109Tyr)

Gene: CPA1 (carboxypeptidase A1; plus strand). Cytogenetic location: 7q32.2.
Variant type: single nucleotide variant.
Coding change: c.326C>A on transcript NM_001868.4 (MANE Select); coding-DNA position 326, C replaced by A.
Protein change: p.Ser109Tyr; replaces serine 109 with tyrosine.
Molecular consequence: missense variant.
Genome position (GRCh38, 1-based): chr7:130,381,808, C>A. VCF-style: chr7-130381808-C-A. GRCh37 (hg19) VCF-style: chr7-130021649-C-A.
Other names: short protein forms S109Y.
Identifiers: ClinVar variation 4869369 (VCV004869369.1).

ClinVar aggregate classification (germline): Uncertain significance (1 of 4 stars; one submission).

Conditions:
Hereditary pancreatitis (PCTT). Also called: Hereditary chronic pancreatitis; PRSS1-Related Hereditary Pancreatitis. Identifiers: Orphanet 676, MedGen C0238339, MONDO:0008185, OMIM 167800.

gnomAD v4.1: 1 of 1,614,138 alleles (0.000062%); highest among the groups gnomAD compares: South Asian, 0.0011%; no homozygotes.

Submission:

Ambry Genetics
Classification: Uncertain significance for Hereditary pancreatitis. Last evaluated: 2026-05-04. Review status: criteria provided, single submitter. Criteria: Ambry Variant Classification Scheme 2023. Collection method: clinical testing. Allele origin: germline.
Comment: The p.S109Y variant (also known as c.326C>A), located in coding exon 3 of the CPA1 gene, results from a C to A substitution at nucleotide position 326. The serine at codon 109 is replaced by tyrosine, an amino acid with dissimilar properties. This amino acid position is conserved. In addition, this alteration is predicted to be tolerated by in silico analysis. Based on the available evidence, the clinical significance of this variant remains unclear.